The following is an entry in ClinVar:

NM_001386889.1(MBNL3):c.442G>A (p.Val148Ile)

Genes: MBNL3 (muscleblind like splicing regulator 3; minus strand), RAP2C-AS1 (RAP2C antisense RNA 1; plus strand). Cytogenetic location: Xq26.2.
Variant type: single nucleotide variant.
Coding change: c.442G>A on transcript NM_001386889.1 (MANE Select); coding-DNA position 442, G replaced by A.
Protein change: p.Val148Ile; replaces valine 148 with isoleucine.
Molecular consequence: missense variant.
Genome position (GRCh38, 1-based): chrX:132,392,235, C>T on the plus strand (G>A on the coding strand, the complement: MBNL3 is on the minus strand). VCF-style: chrX-132392235-C-T. GRCh37 (hg19) VCF-style: chrX-131526263-C-T.
Other names: c.154G>A, p.Val52Ile (NM_001170701.3, NM_001170702.3, NM_001170703.2 and 14 more transcripts); c.442G>A, p.Val148Ile (NM_001386891.1, NM_001386892.1, NM_001386894.1 and 6 more transcripts); c.88G>A, p.Val30Ile (NM_001386916.1); short protein forms V30I, V52I, V148I.
Identifiers: ClinVar variation 4979415 (VCV004979415.1).
Genomic context (GRCh38, chrX:132,392,235, plus strand): 5'-CAACAGCTCCTGGCATTGCAAGAGGTGGGTTTCCAGGAATCAGAACAGGTGTATTTGGTA[C>T]AAGTTCTGCAGGAACGAGGCCCATCCCAGGATGTGGTATGTAAGGATTGAAAGCCATGGG-3'
Protein context (NP_001373818.1, residues 138-158): PGMGLVPAEL[Val148Ile]PNTPVLIPGN

ClinVar aggregate classification (germline): Uncertain significance (1 of 4 stars; one submission).

Conditions:
MBNL3-related disorder. Also called: MBNL3-related condition.

Submission:

PreventionGenetics, part of Exact Sciences
Classification: Uncertain significance for MBNL3-related condition. Last evaluated: 2026-03-02. Review status: criteria provided, single submitter. Criteria: ACMG Guidelines, 2015. Collection method: clinical testing. Allele origin: germline.
Comment: The MBNL3 c.292G>A variant is predicted to result in the amino acid substitution p.Val98Ile. To our knowledge, this variant has not been reported in the literature or in a large population database (gnomAD), indicating this variant is rare. At this time, the clinical significance of this variant is uncertain due to the absence of conclusive functional and genetic evidence.